The following is an entry in ClinVar:

NM_004563.4(PCK2):c.811C>T (p.Arg271Trp)

Genes: NRL (neural retina leucine zipper; minus strand), PCK2 (phosphoenolpyruvate carboxykinase 2, mitochondrial; plus strand). Cytogenetic location: 14q11.2.
Variant type: single nucleotide variant.
Coding change: c.811C>T on transcript NM_004563.4 (MANE Select); coding-DNA position 811, C replaced by T.
Protein change: p.Arg271Trp; replaces arginine 271 with tryptophan.
Molecular consequence: missense variant. On other transcripts: intron variant (3).
Genome position (GRCh38, 1-based): chr14:24,099,195, C>T. VCF-style: chr14-24099195-C-T. GRCh37 (hg19) VCF-style: chr14-24568404-C-T.
Other names: c.811C>T, p.Arg271Trp (NM_001018073.3); c.409C>T, p.Arg137Trp (NM_001291556.2, NM_001308054.2); c.-28+15527G>A (NM_001354768.3, NM_001354770.2); c.-253-14450G>A (NM_006177.5); short protein forms R137W, R271W.
Identifiers: ClinVar variation 2052763 (VCV002052763.4), dbSNP rs752385729, ClinGen allele CA7123237.

ClinVar aggregate classification (germline): Uncertain significance (1 of 4 stars; one submission).

Allele frequency attached by ClinVar (database versions not stated): ExAC 0.00001; gnomAD 0.00003; TOPMed 0.00003; gnomAD exomes 0.00002.
gnomAD v4.1: 29 of 1,603,490 alleles (0.0018%); highest among the groups gnomAD compares: Middle Eastern, 0.016%; no homozygotes.

Submission:

Labcorp Genetics (formerly Invitae), Labcorp
Classification: Uncertain significance. Last evaluated: 2024-11-05. Review status: criteria provided, single submitter. Criteria: Invitae Variant Classification Sherloc (09022015). Collection method: clinical testing. Allele origin: germline.
Comment: This sequence change replaces arginine, which is basic and polar, with tryptophan, which is neutral and slightly polar, at codon 271 of the PCK2 protein (p.Arg271Trp). This variant is present in population databases (rs752385729, gnomAD 0.01%). This variant has not been reported in the literature in individuals affected with PCK2-related conditions. ClinVar contains an entry for this variant (Variation ID: 2052763). Invitae Evidence Modeling of protein sequence and biophysical properties (such as structural, functional, and spatial information, amino acid conservation, physicochemical variation, residue mobility, and thermodynamic stability) indicates that this missense variant is not expected to disrupt PCK2 protein function with a negative predictive value of 80%. In summary, the available evidence is currently insufficient to determine the role of this variant in disease. Therefore, it has been classified as a Variant of Uncertain Significance.